The following is an entry in ClinVar:

NM_057175.5(NAA15):c.1798_1801del (p.Arg600fs)

Gene: NAA15 (N-alpha-acetyltransferase 15, NatA auxiliary subunit; plus strand). Cytogenetic location: 4q31.1.
Variant type: Deletion.
Coding change: c.1798_1801del on transcript NM_057175.5 (MANE Select); coding-DNA positions 1798 to 1801, 4 bases deleted (AGAA; older notation c.1798_1801delAGAA).
Protein change: p.Arg600fs; shifts the reading frame from arginine 600.
Molecular consequence: frameshift variant.
Genome position (GRCh38, 1-based): chr4:139,370,255-139,370,258, AGAA deleted; deleting any 4 consecutive bases within chr4:139,370,253-139,370,258 gives the same sequence; the c. name uses the placement nearest the transcript's 3' end. VCF-style (leftmost placement, unchanged base first): chr4-139370252-CAAAG-C. GRCh37 (hg19) VCF-style: chr4-140291406-CAAAG-C.
Other names: short protein forms R600fs.
Identifiers: ClinVar variation 1098382 (VCV001098382.2), dbSNP rs2110977312, ClinGen allele CA2499217099.

ClinVar aggregate classification (germline): Likely pathogenic (1 of 4 stars; one submission).

Submission:

Genetics Laboratory, UDIAT-Centre Diagnòstic, Hospital Universitari Parc Tauli
Classification: Likely pathogenic. Last evaluated: 2021-04-26. Review status: criteria provided, single submitter. Criteria: Parc Tauli Hospital Assertion Criteria 2021. Collection method: clinical testing. Allele origin: unknown. Inheritance: Autosomal dominant inheritance. Affected: yes. Observed: 1 heterozygote.
Comment: PVS1_very strong;PM2_supporting